The following is an entry in ClinVar:

ClinVar aggregate classification (germline): Likely pathogenic. Review status: reviewed by expert panel (3 of 4 stars). 3 submissions from 3 submitters: Likely pathogenic (1). 2 of the submissions do not count toward it. Last evaluated 2025-08-18.

Conditions:
Hereditary breast ovarian cancer syndrome. Also called: Hereditary breast and ovarian cancer syndrome (HBOC); BRCA1- and BRCA2-Associated Hereditary Breast and Ovarian Cancer; Hereditary breast and/or ovarian cancer syndrome; Hereditary breast and ovarian cancer syndrome; Hereditary breast and ovarian cancer; Breast and ovarian cancer. Identifiers: Orphanet 145, MedGen C0677776, MeSH D061325, MONDO:0003582. Disease mechanism: loss of function.
BRCA1-related cancer predisposition. Identifiers: MedGen CN377757, MONDO:0700268.

Submissions (4):

ClinGen ENIGMA BRCA1 and BRCA2 Variant Curation Expert Panel, ClinGen
Classification: Likely pathogenic for BRCA1-related cancer predisposition. Last evaluated: 2025-08-18. Review status: reviewed by expert panel. Criteria: CSpec BRCA1/2ACMG Rules Specifications V1.2. Collection method: curation. Allele origin: germline. Inheritance: Autosomal dominant inheritance.
Comment: The c.5282T>G variant in BRCA1 is a missense variant predicted to cause substitution of Phenylalanine by Cysteine at amino acid 1761 (p.(Phe1761Cys)). This variant is absent from gnomAD v2.1 (exomes only, non-cancer subset, read depth ≥25) and gnomAD v3.1 (non-cancer subset, read depth ≥25) (PM2_Supporting met). This BRCA1 missense variant is within a key functional domain and the computational predictor BayesDel (noAF) gives a score of 0.47, above the recommended threshold of 0.28 for prediction of impact on BRCA1 function via protein change. A SpliceAI score of 0.01 predicts no impact on splicing (score threshold ≤0.1) (PP3 met). Reported by one calibrated study to exhibit protein function similar to pathogenic control variants (PMID:30209399) (PS3 met). In summary, this variant meets the criteria to be classified as a likely pathogenic variant for BRCA1-related cancer predisposition based on the ACMG/AMP criteria applied as specified by the ENIGMA BRCA1/2 VCEP (PM2_Supporting; PP3; PS3).

Breast Center, Key Laboratory of Carcinogenesis and Translational Research
Classification: Likely pathogenic for Hereditary breast and ovarian cancer syndrome. Last evaluated: 2020-05-01. Review status: criteria provided, single submitter. Criteria: ACMG Guidelines, 2015. Collection method: clinical testing. Allele origin: germline. Observed: 1 variant allele. Not counted in ClinVar's aggregate classification.

Quest Diagnostics Nichols Institute San Juan Capistrano
Classification: Uncertain significance. Last evaluated: 2016-12-08. Review status: criteria provided, single submitter. Criteria: Quest Diagnostics criteria. Collection method: clinical testing. Allele origin: germline. Not counted in ClinVar's aggregate classification.

Brotman Baty Institute, University of Washington
No classification provided (evidence only). Condition: Breast-ovarian cancer, familial 1. Review status: no classification provided. Collection method: in vitro. Allele origin: not applicable. Functional consequence: functionally_abnormal. Not counted in ClinVar's aggregate classification.
ClinVar note: "not provided" was previously submitted as the classification for the variant. However, the classification appeared to be based only on an observation of functional data so it was converted to no classification on 2025-07-30.

Literature cited by the submitters: PubMed 30209399 (cited by Breast Center, Key Laboratory of Carcinogenesis and Translational Research).

NM_007294.4(BRCA1):c.5282T>G (p.Phe1761Cys)

Gene: BRCA1 (BRCA1 DNA repair associated; minus strand). Cytogenetic location: 17q21.31.
Variant type: single nucleotide variant.
Coding change: c.5282T>G on transcript NM_007294.4 (MANE Select); coding-DNA position 5282, T replaced by G.
Protein change: p.Phe1761Cys; replaces phenylalanine 1761 with cysteine.
Molecular consequence: missense variant. On other transcripts: non-coding transcript variant (1).
Genome position (GRCh38, 1-based): chr17:43,051,113, A>C on the plus strand (T>G on the coding strand, the complement: BRCA1 is on the minus strand). VCF-style: chr17-43051113-A-C. GRCh37 (hg19) VCF-style: chr17-41203130-A-C.
Other names: NM_007294.4(BRCA1):c.5282T>G; c.5069T>G, p.Phe1690Cys (NM_001407571.1, NM_001407894.1, NM_001407895.1 and 12 more transcripts); c.5348T>G, p.Phe1783Cys (NM_001407581.1, NM_001407582.1); c.5345T>G, p.Phe1782Cys (NM_001407583.1, NM_001407585.1, NM_001407587.1 and 1 more transcripts); c.5342T>G, p.Phe1781Cys (NM_001407590.1, NM_001407591.1); c.5282T>G, p.Phe1761Cys (NM_001407593.1, NM_001407594.1, NM_001407596.1 and 6 more transcripts); c.5279T>G, p.Phe1760Cys (NM_001407615.1, NM_001407616.1, NM_001407617.1 and 17 more transcripts); c.5276T>G, p.Phe1759Cys (NM_001407634.1, NM_001407635.1, NM_001407636.1 and 14 more transcripts); and 73 more; short protein forms F1761C, F1782C, F657C, F1714C, F1650C, F1689C, F1690C, F1712C.
Identifiers: ClinVar variation 440481 (VCV000440481.9), dbSNP rs80356905, ClinGen allele CA10590980.